The following is an entry in ClinVar:

ClinVar aggregate classification (germline): Uncertain significance. Review status: criteria provided, multiple submitters, no conflicts (2 of 4 stars). 2 submissions from 2 submitters: Uncertain significance (2). Last evaluated 2026-05-22.

Conditions:
Hereditary cancer-predisposing syndrome. Also called: Neoplastic Syndromes, Hereditary; Tumor predisposition; Hereditary Cancer Syndrome; Hereditary neoplastic syndrome. Identifiers: Orphanet 140162, MedGen C0027672, MeSH D009386, MONDO:0015356.

gnomAD v4.1: 1 of 1,613,960 alleles (0.000062%); highest among the groups gnomAD compares: Non-Finnish European, 0.000085%; no homozygotes.

Submissions (2):

Ambry Genetics
Classification: Uncertain significance for Hereditary cancer-predisposing syndrome. Last evaluated: 2026-05-22. Review status: criteria provided, single submitter. Criteria: Ambry Variant Classification Scheme 2023. Collection method: clinical testing. Allele origin: germline.
Comment: The p.I589V variant (also known as c.1765A>G), located in coding exon 14 of the BAP1 gene, results from an A to G substitution at nucleotide position 1765. The isoleucine at codon 589 is replaced by valine, an amino acid with highly similar properties. This amino acid position is conserved. In addition, this alteration is predicted to be tolerated by in silico analysis. Based on the available evidence, the clinical significance of this variant remains unclear.

GeneDx
Classification: Uncertain significance. Last evaluated: 2023-05-24. Review status: criteria provided, single submitter. Criteria: GeneDx Variant Classification Process June 2021. Collection method: clinical testing. Allele origin: germline. Affected: yes.
Comment: Not observed at significant frequency in large population cohorts (gnomAD); In silico analysis supports that this missense variant does not alter protein structure/function; Has not been previously published as pathogenic or benign to our knowledge

NM_004656.4(BAP1):c.1765A>G (p.Ile589Val)

Gene: BAP1 (BRCA1 associated deubiquitinase 1; minus strand). Cytogenetic location: 3p21.1.
Variant type: single nucleotide variant.
Coding change: c.1765A>G on transcript NM_004656.4 (MANE Select); coding-DNA position 1765, A replaced by G.
Protein change: p.Ile589Val; replaces isoleucine 589 with valine.
Molecular consequence: missense variant.
Genome position (GRCh38, 1-based): chr3:52,403,263, T>C on the plus strand (A>G on the coding strand, the complement: BAP1 is on the minus strand). VCF-style: chr3-52403263-T-C. GRCh37 (hg19) VCF-style: chr3-52437279-T-C.
Other names: c.1711A>G, p.Ile571Val (NM_001410772.1); short protein forms I571V, I589V.
Identifiers: ClinVar variation 3362035 (VCV003362035.2).
Genomic context (GRCh38, chr3:52,403,263, plus strand): 5'-TGTCCGTGGCTTCCACGACCTCCTTCTCCACTGGGCTGCTGGACCCCTGGCTGCCTTGGA[T>C]TGGTCTGATGGAGGGCGAGGAACCCTTCCCACCCTCTGGGAAGAGAGGTCACAAGAAAAT-3'
Protein context (NP_004647.1, residues 579-599): GKGSSPSIRP[Ile589Val]QGSQGSSSPV